The following is an entry in ClinVar:

ClinVar aggregate classification (germline): Uncertain significance (1 of 4 stars; one submission).

Conditions:
Hereditary cancer-predisposing syndrome. Also called: Tumor predisposition; Neoplastic Syndromes, Hereditary; Hereditary Cancer Syndrome; Hereditary neoplastic syndrome. Identifiers: Orphanet 140162, MedGen C0027672, MeSH D009386, MONDO:0015356.

Submission:

Labcorp Genetics (formerly Invitae), Labcorp
Classification: Uncertain significance for Hereditary cancer-predisposing syndrome. Last evaluated: 2021-10-02. Review status: criteria provided, single submitter. Criteria: Invitae Variant Classification Sherloc (09022015). Collection method: clinical testing. Allele origin: germline.
Comment: In summary, the available evidence is currently insufficient to determine the role of this variant in disease. Therefore, it has been classified as a Variant of Uncertain Significance. Algorithms developed to predict the effect of missense changes on protein structure and function (SIFT, PolyPhen-2, Align-GVGD) all suggest that this variant is likely to be tolerated. This variant has not been reported in the literature in individuals affected with RAD50-related conditions. This variant is not present in population databases (ExAC no frequency). This sequence change replaces aspartic acid with glycine at codon 970 of the RAD50 protein (p.Asp970Gly). The aspartic acid residue is moderately conserved and there is a moderate physicochemical difference between aspartic acid and glycine.

NM_005732.4(RAD50):c.2909A>G (p.Asp970Gly)

Gene: RAD50 (RAD50 double strand break repair protein; plus strand). Cytogenetic location: 5q31.1.
Variant type: single nucleotide variant.
Coding change: c.2909A>G on transcript NM_005732.4 (MANE Select); coding-DNA position 2909, A replaced by G.
Protein change: p.Asp970Gly; replaces aspartic acid 970 with glycine.
Molecular consequence: missense variant.
Genome position (GRCh38, 1-based): chr5:132,609,196, A>G. VCF-style: chr5-132609196-A-G. GRCh37 (hg19) VCF-style: chr5-131944888-A-G.
Other names: short protein forms D970G.
Identifiers: ClinVar variation 1384191 (VCV001384191.6), dbSNP rs2149849728, ClinGen allele CA360959980.
Genomic context (GRCh38, chr5:132,609,196, plus strand): 5'-AGGTTAAAAATATTCATGGCTATATGAAAGACATTGAGAATTATATTCAAGATGGGAAAG[A>G]CGACTATAAGAAGGTAATTTAAAACTTAAAATTATTTATTTGATTGTATTTTTATTCATG-3'
Protein context (NP_005723.2, residues 960-980): DIENYIQDGK[Asp970Gly]DYKKQKETEL